The following is an entry in ClinVar:

NM_014324.6(AMACR):c.370A>G (p.Ile124Val)

Genes: AMACR (alpha-methylacyl-CoA racemase; minus strand), C1QTNF3-AMACR (C1QTNF3-AMACR readthrough (NMD candidate); minus strand). Cytogenetic location: 5p13.2.
Variant type: single nucleotide variant.
Coding change: c.370A>G on transcript NM_014324.6 (MANE Select); coding-DNA position 370, A replaced by G.
Protein change: p.Ile124Val; replaces isoleucine 124 with valine.
Molecular consequence: missense variant. On other transcripts: non-coding transcript variant (1).
Genome position (GRCh38, 1-based): chr5:34,005,777, T>C on the plus strand (A>G on the coding strand, the complement: AMACR is on the minus strand). VCF-style: chr5-34005777-T-C. GRCh37 (hg19) VCF-style: chr5-34005882-T-C.
Other names: c.370A>G, p.Ile124Val (NM_001167595.2, NM_203382.3); short protein forms I124V.
Identifiers: ClinVar variation 1519686 (VCV001519686.3), dbSNP rs1477299437, ClinGen allele CA359383650.

ClinVar aggregate classification (germline): Uncertain significance (1 of 4 stars; one submission).

Conditions:
Alpha-methylacyl-CoA racemase deficiency (AMACRD). Also called: AMACR deficiency. Identifiers: Orphanet 79095, MedGen C3280428, MONDO:0013681, OMIM 614307. Disease mechanism: loss of function.

Allele frequency attached by ClinVar (database versions not stated): TOPMed 0.00002.

Submission:

Labcorp Genetics (formerly Invitae), Labcorp
Classification: Uncertain significance for Alpha-methylacyl-CoA racemase deficiency. Last evaluated: 2022-08-23. Review status: criteria provided, single submitter. Criteria: Invitae Variant Classification Sherloc (09022015). Collection method: clinical testing. Allele origin: germline.
Comment: This sequence change replaces isoleucine, which is neutral and non-polar, with valine, which is neutral and non-polar, at codon 124 of the AMACR protein (p.Ile124Val). This variant is not present in population databases (gnomAD no frequency). This variant has not been reported in the literature in individuals affected with AMACR-related conditions. ClinVar contains an entry for this variant (Variation ID: 1519686). Algorithms developed to predict the effect of missense changes on protein structure and function (SIFT, PolyPhen-2, Align-GVGD) all suggest that this variant is likely to be disruptive. In summary, the available evidence is currently insufficient to determine the role of this variant in disease. Therefore, it has been classified as a Variant of Uncertain Significance.